The following is an entry in ClinVar:

ClinVar aggregate classification (germline): Uncertain significance (1 of 4 stars; one submission).

Conditions:
EP300-related disorder. Also called: EP300-related condition; EP300-related disorders.

gnomAD v4.1: 1 of 1,614,138 alleles (0.000062%); highest among the groups gnomAD compares: African/African-American, 0.0013%; no homozygotes.

Submission:

PreventionGenetics, part of Exact Sciences
Classification: Uncertain significance for EP300-related condition. Last evaluated: 2025-05-27. Review status: criteria provided, single submitter. Criteria: ACMG Guidelines, 2015. Collection method: clinical testing. Allele origin: germline.
Comment: The EP300 c.5887G>T variant is predicted to result in the amino acid substitution p.Ala1963Ser. To our knowledge, this variant has not been reported in the literature or in a large population database (gnomAD), indicating this variant is rare. At this time, the clinical significance of this variant is uncertain due to the absence of conclusive functional and genetic evidence.

NM_001429.4(EP300):c.5887G>T (p.Ala1963Ser)

Gene: EP300 (EP300 lysine acetyltransferase; plus strand). Cytogenetic location: 22q13.2.
Variant type: single nucleotide variant.
Coding change: c.5887G>T on transcript NM_001429.4 (MANE Select); coding-DNA position 5887, G replaced by T.
Protein change: p.Ala1963Ser; replaces alanine 1963 with serine.
Molecular consequence: missense variant.
Genome position (GRCh38, 1-based): chr22:41,177,598, G>T. VCF-style: chr22-41177598-G-T. GRCh37 (hg19) VCF-style: chr22-41573602-G-T.
Other names: c.5809G>T, p.Ala1937Ser (NM_001362843.2); short protein forms A1963S, A1937S.
Identifiers: ClinVar variation 4984387 (VCV004984387.1).